The following is an entry in ClinVar:

NM_017780.4(CHD7):c.5241C>A (p.Tyr1747Ter)

Gene: CHD7 (chromodomain helicase DNA binding protein 7; plus strand). Cytogenetic location: 8q12.2.
Variant type: single nucleotide variant.
Coding change: c.5241C>A on transcript NM_017780.4 (MANE Select); coding-DNA position 5241, C replaced by A.
Protein change: p.Tyr1747Ter; replaces tyrosine 1747 with a stop codon.
Molecular consequence: nonsense. On other transcripts: intron variant (1).
Genome position (GRCh38, 1-based): chr8:60,848,545, C>A. VCF-style: chr8-60848545-C-A. GRCh37 (hg19) VCF-style: chr8-61761104-C-A.
Other names: c.1717-13684C>A (NM_001316690.1); short protein forms Y1747*.
Identifiers: ClinVar variation 2090743 (VCV002090743.4), dbSNP rs1404353688, ClinGen allele CA371320821.

ClinVar aggregate classification (germline): Pathogenic (1 of 4 stars; one submission).

Conditions:
CHARGE syndrome (CHARGE). Also called: Hittner Hirsch Kreh syndrome; CHARGE ASSOCIATION--COLOBOMA, HEART ANOMALY, CHOANAL ATRESIA, RETARDATION, GENITAL AND EAR ANOMALIES; Coloboma, heart anomaly, choanal atresia, retardation, genital and ear anomalies; CHARGE association; Hall-Hittner syndrome. Identifiers: Orphanet 138, MedGen C0265354, MONDO:0008965.

Submission:

Labcorp Genetics (formerly Invitae), Labcorp
Classification: Pathogenic for CHARGE syndrome. Last evaluated: 2022-01-28. Review status: criteria provided, single submitter. Criteria: Invitae Variant Classification Sherloc (09022015). Collection method: clinical testing. Allele origin: germline.
Comment: For these reasons, this variant has been classified as Pathogenic. This premature translational stop signal has been observed in individual(s) with 22461308 (clinical features of CHARGE syndrome). This variant is not present in population databases (gnomAD no frequency). This sequence change creates a premature translational stop signal (p.Tyr1747*) in the CHD7 gene. It is expected to result in an absent or disrupted protein product. Loss-of-function variants in CHD7 are known to be pathogenic (PMID: 22461308, 25077900).

Literature cited by the submitters: PubMed 22461308; PubMed 25077900.